The following is an entry in ClinVar:

NM_002878.4(RAD51D):c.982A>T (p.Thr328Ser)

Genes: RAD51D (RAD51 paralog D; minus strand), RAD51L3-RFFL (RAD51L3-RFFL readthrough; minus strand). Cytogenetic location: 17q12.
Variant type: single nucleotide variant.
Coding change: c.982A>T on transcript NM_002878.4 (MANE Select); coding-DNA position 982, A replaced by T.
Protein change: p.Thr328Ser; replaces threonine 328 with serine.
Molecular consequence: missense variant. On other transcripts: non-coding transcript variant (2).
Genome position (GRCh38, 1-based): chr17:35,100,958, T>A on the plus strand (A>T on the coding strand, the complement: RAD51D is on the minus strand). VCF-style: chr17-35100958-T-A. GRCh37 (hg19) VCF-style: chr17-33427977-T-A.
Other names: c.1042A>T, p.Thr348Ser (NM_001142571.2); c.646A>T, p.Thr216Ser (NM_133629.3); short protein forms T216S, T328S, T348S.
Identifiers: ClinVar variation 947018 (VCV000947018.9), dbSNP rs2091527104, ClinGen allele CA399086029.

ClinVar aggregate classification (germline): Conflicting classifications of pathogenicity. Review status: criteria provided, conflicting classifications (1 of 4 stars). 3 submissions from 3 submitters: Uncertain significance (2); Likely benign (1). Last evaluated 2025-03-11.

Conditions:
Breast-ovarian cancer, familial, susceptibility to, 4. Identifiers: Orphanet 145, MedGen C3280345, MONDO:0013669, OMIM 614291.
Hereditary cancer-predisposing syndrome. Also called: Hereditary neoplastic syndrome; Neoplastic Syndromes, Hereditary; Tumor predisposition; Hereditary Cancer Syndrome. Identifiers: Orphanet 140162, MedGen C0027672, MeSH D009386, MONDO:0015356.

Allele frequency attached by ClinVar (database versions not stated): gnomAD exomes below 0.00001.
gnomAD v4.1: 1 of 1,611,544 alleles (0.000062%); highest among the groups gnomAD compares: South Asian, 0.0011%; no homozygotes.

Submissions (3):

Labcorp Genetics (formerly Invitae), Labcorp
Classification: Uncertain significance for Breast-ovarian cancer, familial, susceptibility to, 4. Last evaluated: 2025-03-11. Review status: criteria provided, single submitter. Criteria: Invitae Variant Classification Sherloc (09022015). Collection method: clinical testing. Allele origin: germline.
Comment: This sequence change replaces threonine, which is neutral and polar, with serine, which is neutral and polar, at codon 328 of the RAD51D protein (p.Thr328Ser). This variant is not present in population databases (gnomAD no frequency). This variant has not been reported in the literature in individuals affected with RAD51D-related conditions. ClinVar contains an entry for this variant (Variation ID: 947018). An algorithm developed to predict the effect of missense changes on protein structure and function (PolyPhen-2) suggests that this variant is likely to be disruptive. In summary, the available evidence is currently insufficient to determine the role of this variant in disease. Therefore, it has been classified as a Variant of Uncertain Significance.

Ambry Genetics
Classification: Likely benign for Hereditary cancer-predisposing syndrome. Last evaluated: 2024-02-26. Review status: criteria provided, single submitter. Criteria: Ambry Variant Classification Scheme 2023. Collection method: clinical testing. Allele origin: germline.

GeneDx
Classification: Uncertain significance. Last evaluated: 2023-01-24. Review status: criteria provided, single submitter. Criteria: GeneDx Variant Classification Process June 2021. Collection method: clinical testing. Allele origin: germline. Affected: yes.
Comment: Not observed at significant frequency in large population cohorts (gnomAD); In silico analysis supports that this missense variant does not alter protein structure/function; Has not been previously published as pathogenic or benign to our knowledge; This variant is associated with the following publications: (PMID: 21111057, 14704354, 19327148)